The following is an entry in ClinVar:

ClinVar aggregate classification (germline): Uncertain significance (1 of 4 stars; one submission).

Submission:

Labcorp Genetics (formerly Invitae), Labcorp
Classification: Uncertain significance. Last evaluated: 2022-06-27. Review status: criteria provided, single submitter. Criteria: Invitae Variant Classification Sherloc (09022015). Collection method: clinical testing. Allele origin: germline.
Comment: In summary, the available evidence is currently insufficient to determine the role of this variant in disease. Therefore, it has been classified as a Variant of Uncertain Significance. Algorithms developed to predict the effect of missense changes on protein structure and function (SIFT, PolyPhen-2, Align-GVGD) all suggest that this variant is likely to be tolerated. This variant has not been reported in the literature in individuals affected with BCL11B-related conditions. The frequency data for this variant in the population databases is considered unreliable, as metrics indicate insufficient coverage at this position in the gnomAD database. This sequence change replaces glycine, which is neutral and non-polar, with aspartic acid, which is acidic and polar, at codon 648 of the BCL11B protein (p.Gly648Asp).

NM_138576.4(BCL11B):c.1943G>A (p.Gly648Asp)

Gene: BCL11B (BCL11 transcription factor B; minus strand). Cytogenetic location: 14q32.2.
Variant type: single nucleotide variant.
Coding change: c.1943G>A on transcript NM_138576.4 (MANE Select); coding-DNA position 1943, G replaced by A.
Protein change: p.Gly648Asp; replaces glycine 648 with aspartic acid.
Molecular consequence: missense variant.
Genome position (GRCh38, 1-based): chr14:99,174,893, C>T on the plus strand (G>A on the coding strand, the complement: BCL11B is on the minus strand). VCF-style: chr14-99174893-C-T. GRCh37 (hg19) VCF-style: chr14-99641230-C-T.
Other names: c.1940G>A, p.Gly647Asp (NM_001282237.2); c.1727G>A, p.Gly576Asp (NM_001282238.2); c.1730G>A, p.Gly577Asp (NM_022898.3); short protein forms G576D, G577D, G647D, G648D.
Identifiers: ClinVar variation 2089883 (VCV002089883.4), dbSNP rs1430031052, ClinGen allele CA390934284.
Genomic context (GRCh38, chr14:99,174,893, plus strand): 5'-AGCCCGGGGAAGGGCTCGGTGCCTGGCGCGAAGCCGCCCCCGCGCCCGTTGACCGCGCCG[C>T]CCGCGCCCGCGTCCCCGCAGCCGCCCGCGTCGTCGTCGTCGCCCGCGTCCCCGCCGCCCG-3'
Protein context (NP_612808.1, residues 638-658): DAGGCGDAGA[Gly648Asp]GAVNGRGGGF